The following is an entry in ClinVar:

NM_000726.5(CACNB4):c.1027C>G (p.Gln343Glu)

Gene: CACNB4 (calcium voltage-gated channel auxiliary subunit beta 4; minus strand). Cytogenetic location: 2q23.3.
Variant type: single nucleotide variant.
Coding change: c.1027C>G on transcript NM_000726.5 (MANE Select); coding-DNA position 1027, C replaced by G.
Protein change: p.Gln343Glu; replaces glutamine 343 with glutamic acid.
Molecular consequence: missense variant.
Genome position (GRCh38, 1-based): chr2:151,853,537, G>C on the plus strand (C>G on the coding strand, the complement: CACNB4 is on the minus strand). VCF-style: chr2-151853537-G-C. GRCh37 (hg19) VCF-style: chr2-152710051-G-C.
Other names: c.973C>G, p.Gln325Glu (NM_001005746.4); c.925C>G, p.Gln309Glu (NM_001005747.4); c.1027C>G, p.Gln343Glu (NM_001145798.3); c.886C>G, p.Gln296Glu (NM_001320722.3, NM_001330118.2); c.784C>G, p.Gln262Glu (NM_001330113.2); c.373C>G, p.Gln125Glu (NM_001330114.2); c.736C>G, p.Gln246Glu (NM_001330115.2); c.697C>G, p.Gln233Glu (NM_001330116.2); and 1 more; short protein forms Q343E, Q125E, Q157E, Q296E, Q309E, Q233E, Q246E, Q262E.
Identifiers: ClinVar variation 529523 (VCV000529523.11), dbSNP rs1328517680, ClinGen allele CA348789818.

ClinVar aggregate classification (germline): Uncertain significance. Review status: criteria provided, multiple submitters, no conflicts (2 of 4 stars). 2 submissions from 2 submitters: Uncertain significance (2). Last evaluated 2024-01-22.

Conditions:
Idiopathic generalized epilepsy. Also called: EIG; Generalised epilepsy. Identifiers: MedGen C0270850, MONDO:0005579, OMIM 600669.

Allele frequency attached by ClinVar (database versions not stated): TOPMed 0.00001; gnomAD 0.00003.
gnomAD v4.1: 16 of 1,574,604 alleles (0.001%); highest among the groups gnomAD compares: African/African-American, 0.0014%; no homozygotes.

Submissions (2):

Ambry Genetics
Classification: Uncertain significance. Last evaluated: 2024-01-22. Review status: criteria provided, single submitter. Criteria: Ambry Variant Classification Scheme 2023. Collection method: clinical testing. Allele origin: germline.

Labcorp Genetics (formerly Invitae), Labcorp
Classification: Uncertain significance for Idiopathic generalized epilepsy. Last evaluated: 2020-02-22. Review status: criteria provided, single submitter. Criteria: Invitae Variant Classification Sherloc (09022015). Collection method: clinical testing. Allele origin: germline.
Comment: This sequence change replaces glutamine with glutamic acid at codon 343 of the CACNB4 protein (p.Gln343Glu). The glutamine residue is highly conserved and there is a small physicochemical difference between glutamine and glutamic acid. This variant is not present in population databases (ExAC no frequency). This variant has not been reported in the literature in individuals with CACNB4-related disease. Algorithms developed to predict the effect of missense changes on protein structure and function do not agree on the potential impact of this missense change (SIFT: "Deleterious"; PolyPhen-2: "Benign"; Align-GVGD: "Class C0"). Algorithms developed to predict the effect of sequence changes on RNA splicing suggest that this variant may create or strengthen a splice site, but this prediction has not been confirmed by published transcriptional studies. In summary, the available evidence is currently insufficient to determine the role of this variant in disease. Therefore, it has been classified as a Variant of Uncertain Significance.